The following is an entry in ClinVar:

NM_015662.3(IFT172):c.4163A>G (p.Tyr1388Cys)

Gene: IFT172 (intraflagellar transport 172; minus strand). Cytogenetic location: 2p23.3.
Variant type: single nucleotide variant.
Coding change: c.4163A>G on transcript NM_015662.3 (MANE Select); coding-DNA position 4163, A replaced by G.
Protein change: p.Tyr1388Cys; replaces tyrosine 1388 with cysteine.
Molecular consequence: missense variant.
Genome position (GRCh38, 1-based): chr2:27,449,560, T>C on the plus strand (A>G on the coding strand, the complement: IFT172 is on the minus strand). VCF-style: chr2-27449560-T-C. GRCh37 (hg19) VCF-style: chr2-27672427-T-C.
Other names: c.4163A>G (NM_015662.2, NM_015662.1); c.4097A>G, p.Tyr1366Cys (NM_001410739.1); short protein forms Y1366C, Y1388C.
Identifiers: ClinVar variation 2192311 (VCV002192311.5), dbSNP rs376777306, ClinGen allele CA1579695.

ClinVar aggregate classification (germline): Uncertain significance. Review status: criteria provided, multiple submitters, no conflicts (2 of 4 stars). 3 submissions from 3 submitters: Uncertain significance (3). Last evaluated 2025-06-12.

Conditions:
IFT172-related disorder. Also called: IFT172-related disorders; IFT172-related condition.
Retinitis pigmentosa 71 (RP71). Identifiers: Orphanet 791, MedGen C4225342, MONDO:0014618, OMIM 616394.
Short-rib thoracic dysplasia 10 with or without polydactyly (SRTD10). Identifiers: Orphanet 474, MedGen C3810175, MONDO:0014284, OMIM 615630.
Inborn genetic diseases. Identifiers: MedGen C0950123, MeSH D030342.

Allele frequency attached by ClinVar (database versions not stated): gnomAD exomes 0.00001; gnomAD 0.00005; TOPMed 0.00006; ESP Exome Variant Server 0.00008; ExAC 0.00001.
gnomAD v4.1: 12 of 1,614,088 alleles (0.00074%); highest among the groups gnomAD compares: African/African-American, 0.016%; no homozygotes.

Submissions (3):

Labcorp Genetics (formerly Invitae), Labcorp
Classification: Uncertain significance for Retinitis pigmentosa 71; Short-rib thoracic dysplasia 10 with or without polydactyly. Last evaluated: 2025-06-12. Review status: criteria provided, single submitter. Criteria: Invitae Variant Classification Sherloc (09022015). Collection method: clinical testing. Allele origin: germline.
Comment: This sequence change replaces tyrosine, which is neutral and polar, with cysteine, which is neutral and slightly polar, at codon 1388 of the IFT172 protein (p.Tyr1388Cys). This variant is present in population databases (rs376777306, gnomAD 0.02%). This variant has not been reported in the literature in individuals affected with IFT172-related conditions. ClinVar contains an entry for this variant (Variation ID: 2192311). Invitae Evidence Modeling of protein sequence and biophysical properties (such as structural, functional, and spatial information, amino acid conservation, physicochemical variation, residue mobility, and thermodynamic stability) indicates that this missense variant is not expected to disrupt IFT172 protein function with a negative predictive value of 95%. In summary, the available evidence is currently insufficient to determine the role of this variant in disease. Therefore, it has been classified as a Variant of Uncertain Significance.

Ambry Genetics
Classification: Uncertain significance for Inborn genetic diseases. Last evaluated: 2025-04-04. Review status: criteria provided, single submitter. Criteria: Ambry Variant Classification Scheme 2023. Collection method: clinical testing. Allele origin: germline.

PreventionGenetics, part of Exact Sciences
Classification: Uncertain significance for IFT172-related condition. Last evaluated: 2025-02-07. Review status: criteria provided, single submitter. Criteria: ACMG Guidelines, 2015. Collection method: clinical testing. Allele origin: germline.
Comment: The IFT172 c.4163A>G variant is predicted to result in the amino acid substitution p.Tyr1388Cys. To our knowledge, this variant has not been reported in the literature. This variant is reported in 0.016% of alleles in individuals of African descent in gnomAD. At this time, the clinical significance of this variant is uncertain due to the absence of conclusive functional and genetic evidence.